The following is an entry in ClinVar:

ClinVar aggregate classification (germline): Pathogenic (1 of 4 stars; one submission).

Conditions:
Macrothrombocytopenia, isolated, 1, autosomal dominant (MACTHC1). Also called: Autosomal dominant macrothrombocytopenia TUBB1-related. Identifiers: Orphanet 140957, MedGen C5676892, MONDO:0800047, OMIM 613112.

Allele frequency attached by ClinVar (database versions not stated): gnomAD exomes below 0.00001.
gnomAD v4.1: 2 of 1,614,062 alleles (0.00012%); highest among the groups gnomAD compares: South Asian, 0.0022%; no homozygotes.

Submission:

ISTH-SSC Genomics in Thrombosis and Hemostasis, KU Leuven, Center for Molecular and Vascular Biology
Classification: Pathogenic for Macrothrombocytopenia, isolated, 1, autosomal dominant. Review status: criteria provided, single submitter. Criteria: ACMG Guidelines, 2015. Collection method: clinical testing. Allele origin: germline. Affected: yes. Observed: 1 heterozygote.
Comment: Submitted to GoldVariant by Jose María Bastida and José Rivera; Grupo Español de Alteraciones Plaquetarias Congénitas (GEAPC)

NM_030773.4(TUBB1):c.806G>A (p.Gly269Asp)

Gene: TUBB1 (tubulin beta 1 class VI; plus strand). Cytogenetic location: 20q13.32.
Variant type: single nucleotide variant.
Coding change: c.806G>A on transcript NM_030773.4 (MANE Select); coding-DNA position 806, G replaced by A.
Protein change: p.Gly269Asp; replaces glycine 269 with aspartic acid.
Molecular consequence: missense variant.
Genome position (GRCh38, 1-based): chr20:59,024,233, G>A. VCF-style: chr20-59024233-G-A. GRCh37 (hg19) VCF-style: chr20-57599288-G-A.
Other names: short protein forms G269D.
Identifiers: ClinVar variation 1703807 (VCV001703807.2), dbSNP rs1293743818, ClinGen allele CA409467697.